The following is an entry in ClinVar:

ClinVar aggregate classification (germline): Uncertain significance (1 of 4 stars; one submission).

Conditions:
Hereditary sensory and autonomic neuropathy type 6. Also called: HSAN VI; Neuropathy, hereditary sensory and autonomic, type VI. Identifiers: Orphanet 314381, MedGen C3539003, MONDO:0013839, OMIM 614653.
Epidermolysis bullosa simplex 3, localized or generalized intermediate, with BP230 deficiency (EBS3). Also called: Epidermolysis bullosa simplex, autosomal recessive 2; Epidermolysis bullosa simplex due to BP230 deficiency. Identifiers: Orphanet 412181, MedGen C3809470, MONDO:0014180, OMIM 615425.

Submission:

Labcorp Genetics (formerly Invitae), Labcorp
Classification: Uncertain significance for Epidermolysis bullosa simplex 3, localized or generalized intermediate, with BP230 deficiency; Hereditary sensory and autonomic neuropathy type 6. Last evaluated: 2021-03-10. Review status: criteria provided, single submitter. Criteria: Invitae Variant Classification Sherloc (09022015). Collection method: clinical testing. Allele origin: germline.
Comment: This sequence change replaces lysine with threonine at codon 1135 of the DST protein (p.Lys1135Thr). The DST gene has multiple clinically relevant transcripts. This variant occurs in alternate transcript NM_015548.4, and corresponds to NM_001723.5:c.*1118A>C in the primary transcript. This variant is not present in population databases (ExAC no frequency). This variant has not been reported in the literature in individuals with DST-related conditions. Experimental studies and prediction algorithms are not available or were not evaluated, and the functional significance of this variant is currently unknown. In summary, the available evidence is currently insufficient to determine the role of this variant in disease. Therefore, it has been classified as a Variant of Uncertain Significance.

NM_001374736.1(DST):c.5015A>C (p.Lys1672Thr)

Gene: DST (dystonin; minus strand). Cytogenetic location: 6p12.1.
Variant type: single nucleotide variant.
Coding change: c.5015A>C on transcript NM_001374736.1 (MANE Select); coding-DNA position 5015, A replaced by C.
Protein change: p.Lys1672Thr; replaces lysine 1672 with threonine.
Molecular consequence: missense variant.
Genome position (GRCh38, 1-based): chr6:56,614,399, T>G on the plus strand (A>C on the coding strand, the complement: DST is on the minus strand). VCF-style: chr6-56614399-T-G. GRCh37 (hg19) VCF-style: chr6-56479197-T-G.
Other names: c.4916A>C, p.Lys1639Thr (NM_001144769.5); c.4502A>C, p.Lys1501Thr (NM_001144770.2); c.5015A>C, p.Lys1672Thr (NM_001374722.1); c.4382A>C, p.Lys1461Thr (NM_001374729.1, NM_001374730.1, NM_001386100.1 and 1 more transcripts); c.5042A>C, p.Lys1681Thr (NM_001374734.1); c.3404A>C, p.Lys1135Thr (NM_015548.5); short protein forms K1639T, K1461T, K1135T, K1501T, K1672T, K1681T.
Identifiers: ClinVar variation 1486582 (VCV001486582.6), dbSNP rs2098591704, ClinGen allele CA364561684.